The following is an entry in ClinVar:

ClinVar aggregate classification (germline): Benign. Review status: criteria provided, multiple submitters, no conflicts (2 of 4 stars). 2 submissions from 2 submitters: Benign (2). Last evaluated 2020-11-02.

Allele frequency attached by ClinVar (database versions not stated): gnomAD exomes 0.01402; ExAC 0.02476; gnomAD 0.05952 and 0.06438; 1000 Genomes Project 0.05970; 1000 Genomes Project 30x 0.06309; ESP Exome Variant Server 0.06427; TOPMed 0.06540.
gnomAD v4.1: 17,391 of 1,579,936 alleles (1.1%); highest among the groups gnomAD compares: African/African-American, 21%; 1,691 homozygotes.

Submissions (2):

GeneDx
Classification: Benign. Last evaluated: 2020-11-02. Review status: criteria provided, single submitter. Criteria: GeneDx Variant Classification Process June 2021. Collection method: clinical testing. Allele origin: germline. Affected: yes.
Comment: This variant is associated with the following publications: (PMID: 30924900)

Breakthrough Genomics
Classification: Benign. Review status: criteria provided, single submitter. Criteria: ACMG Guidelines, 2015. Collection method: not provided. Allele origin: germline. Inheritance: Unknown mechanism. Affected: yes.

NM_152228.3(TAS1R3):c.2203G>A (p.Ala735Thr)

Gene: TAS1R3 (taste 1 receptor member 3; plus strand). Cytogenetic location: 1p36.33.
Variant type: single nucleotide variant.
Coding change: c.2203G>A on transcript NM_152228.3 (MANE Select); coding-DNA position 2203, G replaced by A.
Protein change: p.Ala735Thr; replaces alanine 735 with threonine.
Molecular consequence: missense variant.
Genome position (GRCh38, 1-based): chr1:1,334,108, G>A. VCF-style: chr1-1334108-G-A. GRCh37 (hg19) VCF-style: chr1-1269488-G-A.
Other names: short protein forms A735T.
Identifiers: ClinVar variation 1222088 (VCV001222088.4), dbSNP rs112507608, ClinGen allele CA519576.